The following is an entry in ClinVar:

NM_001257293.2(HNRNPH1):c.595C>T (p.Arg199Ter)

Genes: HNRNPH1 (heterogeneous nuclear ribonucleoprotein H1; minus strand), LOC128966623 (uncharacterized protein C5orf60; plus strand). Cytogenetic location: 5q35.3.
Variant type: single nucleotide variant.
Coding change: c.595C>T on transcript NM_001257293.2 (MANE Select); coding-DNA position 595, C replaced by T.
Protein change: p.Arg199Ter; replaces arginine 199 with a stop codon.
Molecular consequence: nonsense. On other transcripts: 5 prime UTR variant (5).
Genome position (GRCh38, 1-based): chr5:179,618,265, G>A on the plus strand (C>T on the coding strand, the complement: HNRNPH1 is on the minus strand). VCF-style: chr5-179618265-G-A. GRCh37 (hg19) VCF-style: chr5-179045266-G-A.
Other names: c.595C>T, p.Arg199Ter (NM_001363572.2, NM_001364225.2, NM_001364226.2 and 23 more transcripts); c.439C>T, p.Arg147Ter (NM_001364250.2); c.-9C>T (NM_001364251.2, NM_001364252.2, NM_001364253.2 and 2 more transcripts); short protein forms R147*, R199*.
Identifiers: ClinVar variation 1307829 (VCV001307829.3), dbSNP rs2127636119, ClinGen allele CA362438498.
Genomic context (GRCh38, chr5:179,618,265, plus strand): 5'-ACCCTCTACCAGCCCCAGGTCTGTCATAAGGACCTGGCCGCTGCATGGCCATAAGCTTTC[G>A]TGGTGGATCATAATGAGTTCTAACTTCAGCTCTACTGCTCTTAAAGATTTCAATATACCT-3'

ClinVar aggregate classification (germline): Likely pathogenic (1 of 4 stars; one submission).

Submission:

GeneDx
Classification: Likely pathogenic. Last evaluated: 2021-11-23. Review status: criteria provided, single submitter. Criteria: GeneDx Variant Classification Process June 2021. Collection method: clinical testing. Allele origin: germline. Affected: yes.
Comment: Has not been previously published as pathogenic or benign to our knowledge; Not observed at significant frequency in large population cohorts (Lek et al., 2016); Nonsense variant predicted to result in protein truncation or nonsense mediated decay in a gene for which loss-of-function is a known mechanism of disease